The following is an entry in ClinVar:

NM_201384.3(PLEC):c.12895C>A (p.His4299Asn)

Gene: PLEC (plectin; minus strand). Cytogenetic location: 8q24.3.
Variant type: single nucleotide variant.
Coding change: c.12895C>A on transcript NM_201384.3 (MANE Select); coding-DNA position 12895, C replaced by A.
Protein change: p.His4299Asn; replaces histidine 4299 with asparagine.
Molecular consequence: missense variant.
Genome position (GRCh38, 1-based): chr8:143,916,926, G>T on the plus strand (C>A on the coding strand, the complement: PLEC is on the minus strand). VCF-style: chr8-143916926-G-T. GRCh37 (hg19) VCF-style: chr8-144991094-G-T.
Other names: c.12976C>A, p.His4326Asn (NM_000445.5); c.12853C>A, p.His4285Asn (NM_201378.4); c.12829C>A, p.His4277Asn (NM_201379.3); c.13306C>A, p.His4436Asn (NM_201380.4); c.12799C>A, p.His4267Asn (NM_201381.3); c.12895C>A, p.His4299Asn (NM_201382.4); c.12907C>A, p.His4303Asn (NM_201383.3); short protein forms H4277N, H4285N, H4303N, H4436N, H4267N, H4299N, H4326N.
Identifiers: ClinVar variation 1346697 (VCV001346697.8), dbSNP rs1820758402, ClinGen allele CA372478107.

ClinVar aggregate classification (germline): Uncertain significance (1 of 4 stars; one submission).

Conditions:
Epidermolysis bullosa simplex 5B, with muscular dystrophy (EBS5B). Also called: Epidermolysis bullosa simplex with muscular dystrophy; EPIDERMOLYSIS BULLOSA SIMPLEX AND LIMB-GIRDLE MUSCULAR DYSTROPHY. Identifiers: Orphanet 257, MedGen C2931072, MONDO:0009181, OMIM 226670.
Epidermolysis bullosa simplex, Ogna type (EBS5A). Also called: Pidermolysis bullosa simplex 5A, Ogna type; EPIDERMOLYSIS BULLOSA SIMPLEX 5A, OGNA TYPE. Identifiers: Orphanet 79401, MedGen C0432317, MONDO:0007555, OMIM 131950.
Epidermolysis bullosa simplex 5C, with pyloric atresia (EBS5C). Also called: PLEC1-Related Epidermolysis Bullosa with Pyloric Atresia; PLEC-Related Epidermolysis Bullosa with Pyloric Atresia; Epidermolysis bullosa simplex with pyloric atresia. Identifiers: Orphanet 158684, MedGen C2677349, MONDO:0012807, OMIM 612138.
Epidermolysis bullosa simplex with nail dystrophy (EBS5D). Identifiers: MedGen C4225309, MONDO:0014661, OMIM 616487.
Autosomal recessive limb-girdle muscular dystrophy type 2Q (LGMDR17). Also called: MUSCULAR DYSTROPHY, LIMB-GIRDLE, AUTOSOMAL RECESSIVE 17. Identifiers: Orphanet 254361, MedGen C3150989, MONDO:0013390, OMIM 613723.

Submission:

Labcorp Genetics (formerly Invitae), Labcorp
Classification: Uncertain significance for Autosomal recessive limb-girdle muscular dystrophy type 2Q; Epidermolysis bullosa simplex, Ogna type; Epidermolysis bullosa simplex with nail dystrophy; Epidermolysis bullosa simplex 5C, with pyloric atresia; Epidermolysis bullosa simplex 5B, with muscular dystrophy. Last evaluated: 2021-01-19. Review status: criteria provided, single submitter. Criteria: Invitae Variant Classification Sherloc (09022015). Collection method: clinical testing. Allele origin: germline.
Comment: This sequence change replaces histidine with asparagine at codon 4326 of the PLEC protein (p.His4326Asn). The histidine residue is highly conserved and there is a small physicochemical difference between histidine and asparagine. This variant is not present in population databases (ExAC no frequency). This variant has not been reported in the literature in individuals with PLEC-related conditions. Algorithms developed to predict the effect of missense changes on protein structure and function (SIFT, PolyPhen-2, Align-GVGD) all suggest that this variant is likely to be disruptive, but these predictions have not been confirmed by published functional studies and their clinical significance is uncertain. In summary, the available evidence is currently insufficient to determine the role of this variant in disease. Therefore, it has been classified as a Variant of Uncertain Significance.